The following is an entry in ClinVar:

NM_005198.5(CHKB):c.417C>G (p.Phe139Leu)

Genes: CHKB (choline kinase beta; minus strand), CHKB-CPT1B (CHKB-CPT1B readthrough (NMD candidate); minus strand). Cytogenetic location: 22q13.33.
Variant type: single nucleotide variant.
Coding change: c.417C>G on transcript NM_005198.5 (MANE Select); coding-DNA position 417, C replaced by G.
Protein change: p.Phe139Leu; replaces phenylalanine 139 with leucine.
Molecular consequence: missense variant. On other transcripts: non-coding transcript variant (1).
Genome position (GRCh38, 1-based): chr22:50,581,779, G>C on the plus strand (C>G on the coding strand, the complement: CHKB is on the minus strand). VCF-style: chr22-50581779-G-C. GRCh37 (hg19) VCF-style: chr22-51020208-G-C.
Other names: short protein forms F139L.
Identifiers: ClinVar variation 2038293 (VCV002038293.1), dbSNP rs1478739647, ClinGen allele CA412201306.

ClinVar aggregate classification (germline): Uncertain significance (1 of 4 stars; one submission).

Conditions:
Megaconial type congenital muscular dystrophy (MDCMC). Also called: MUSCULAR DYSTROPHY, CONGENITAL, WITH MITOCHONDRIAL STRUCTURAL ABNORMALITIES; CHKB-Related Muscular Dystrophy; CHKB-Related Muscle Diseases. Identifiers: Orphanet 280671, MedGen C1865233, MONDO:0011246, OMIM 602541.

Submission:

Labcorp Genetics (formerly Invitae), Labcorp
Classification: Uncertain significance for Megaconial type congenital muscular dystrophy. Last evaluated: 2022-05-04. Review status: criteria provided, single submitter. Criteria: Invitae Variant Classification Sherloc (09022015). Collection method: clinical testing. Allele origin: germline.
Comment: This sequence change replaces phenylalanine, which is neutral and non-polar, with leucine, which is neutral and non-polar, at codon 139 of the CHKB protein (p.Phe139Leu). This variant is present in population databases (no rsID available, gnomAD 0.002%). This variant has not been reported in the literature in individuals affected with CHKB-related conditions. Algorithms developed to predict the effect of missense changes on protein structure and function are either unavailable or do not agree on the potential impact of this missense change (SIFT: "Deleterious"; PolyPhen-2: "Probably Damaging"; Align-GVGD: "Class C0"). In summary, the available evidence is currently insufficient to determine the role of this variant in disease. Therefore, it has been classified as a Variant of Uncertain Significance.